The following is an entry in ClinVar:

NM_001367624.2(ZNF469):c.10795G>T (p.Ala3599Ser)

Gene: ZNF469 (zinc finger protein 469; plus strand). Cytogenetic location: 16q24.2.
Variant type: single nucleotide variant.
Coding change: c.10795G>T on transcript NM_001367624.2 (MANE Select); coding-DNA position 10795, G replaced by T.
Protein change: p.Ala3599Ser; replaces alanine 3599 with serine.
Molecular consequence: missense variant.
Genome position (GRCh38, 1-based): chr16:88,438,265, G>T. VCF-style: chr16-88438265-G-T. GRCh37 (hg19) VCF-style: chr16-88504673-G-T.
Other names: NM_001127464.1:c.10711G>T; p.Ala3599Ser; short protein forms A3599S.
Identifiers: ClinVar variation 195116 (VCV000195116.48), dbSNP rs199760004, ClinGen allele CA201576.

ClinVar aggregate classification (germline): Benign/Likely benign. Review status: criteria provided, multiple submitters, no conflicts (2 of 4 stars). 10 submissions from 10 submitters: Benign (7); Likely benign (3). Last evaluated 2026-04-08.

Conditions:
Cardiovascular phenotype. Identifiers: MedGen CN230736.
Brittle cornea syndrome 1 (BCS1). Also called: Corneal fragility keratoglobus, blue sclerae AND joint hypermobility; FRAGILITAS OCULI WITH JOINT HYPEREXTENSIBILITY; CORNEAL FRAGILITY, KERATOGLOBUS, BLUE SCLERAE, JOINT HYPEREXTENSIBILITY; EDS6B; DYSGENESIS MESODERMALIS CORNEAE ET SCLERAE. Identifiers: Orphanet 90354, MedGen C0268344, MONDO:0024543, OMIM 229200.

Allele frequency attached by ClinVar (database versions not stated): ExAC 0.00138; gnomAD 0.00417; TOPMed 0.00442; 1000 Genomes Project 30x 0.00531; 1000 Genomes Project 0.00539.
gnomAD v4.1: 1,128 of 1,548,214 alleles (0.073%); highest among the groups gnomAD compares: African/African-American, 1.4%; 13 homozygotes.

Submissions (10):

Women's Health and Genetics/Laboratory Corporation of America, LabCorp
Classification: Likely benign. Last evaluated: 2026-04-08. Review status: criteria provided, single submitter. Criteria: LabCorp Variant Classification Summary - May 2015. Collection method: clinical testing. Allele origin: germline.
Comment: Variant summary: ZNF469 c.10795G>T (p.Ala3599Ser) results in a conservative amino acid change in the encoded protein sequence. Algorithms developed to predict the effect of missense changes on protein structure and function are either unavailable or do not agree on the potential impact of this missense change. The variant allele was found at a frequency of 0.00076 in 150882 control chromosomes, predominantly at a frequency of 0.014 within the African or African-American subpopulation in the gnomAD database, including 3 homozygotes. The observed variant frequency within African or African-American control individuals in the gnomAD database exceeds the estimated maximal expected allele frequency for disease-causing variants in ZNF469. To our knowledge, no occurrence of c.10795G>T in individuals affected with ZNF469-related conditions and no experimental evidence demonstrating its impact on protein function have been reported. ClinVar contains an entry for this variant (Variation ID: 195116). Based on the evidence outlined above, the variant was classified as likely benign.

Labcorp Genetics (formerly Invitae), Labcorp
Classification: Benign. Last evaluated: 2026-02-04. Review status: criteria provided, single submitter. Criteria: Invitae Variant Classification Sherloc (09022015). Collection method: clinical testing. Allele origin: germline.

Mayo Clinic Laboratories, Mayo Clinic
Classification: Benign. Last evaluated: 2025-02-14. Review status: criteria provided, single submitter. Criteria: ACMG Guidelines, 2015. Collection method: clinical testing. Allele origin: germline. Observed: 1 variant allele.
Comment: BS1, BS2, BP4_moderate

CeGaT Center for Human Genetics Tuebingen
Classification: Benign. Last evaluated: 2023-03-01. Review status: criteria provided, single submitter. Criteria: CeGaT Center For Human Genetics Tuebingen Variant Classification Criteria Version 2. Collection method: clinical testing. Allele origin: germline. Affected: yes. Observed: 1 variant allele.
Comment: ZNF469: BP4, BS1, BS2

Genome-Nilou Lab
Classification: Benign for Brittle cornea syndrome 1. Last evaluated: 2021-12-05. Review status: criteria provided, single submitter. Criteria: ACMG Guidelines, 2015. Collection method: clinical testing. Allele origin: germline. Affected: no.

Ambry Genetics
Classification: Benign for Cardiovascular phenotype. Last evaluated: 2020-10-07. Review status: criteria provided, single submitter. Criteria: Ambry Variant Classification Scheme 2023. Collection method: clinical testing. Allele origin: germline.

GeneDx
Classification: Benign. Last evaluated: 2019-09-12. Review status: criteria provided, single submitter. Criteria: GeneDx Variant Classification Process June 2021. Collection method: clinical testing. Allele origin: germline. Affected: yes.

Center for Pediatric Genomic Medicine, Children's Mercy Hospital and Clinics
Classification: Likely benign. Last evaluated: 2017-02-16. Review status: criteria provided, single submitter. Criteria: ACMG Guidelines, 2015. Collection method: clinical testing. Allele origin: germline.
ClinVar note: Converted during submission from Likely Benign to Likely benign.

Eurofins Ntd Llc (ga)
Classification: Benign. Last evaluated: 2015-06-03. Review status: criteria provided, single submitter. Criteria: EGL Classification Definitions 2015. Collection method: clinical testing. Allele origin: germline. Observed: 1 variant allele, 1 heterozygote.

Breakthrough Genomics
Classification: Likely benign. Review status: criteria provided, single submitter. Criteria: ACMG Guidelines, 2015. Collection method: not provided. Allele origin: germline. Inheritance: Autosomal recessive inheritance. Affected: yes.